The following is an entry in ClinVar:

ClinVar aggregate classification (germline): Uncertain significance (1 of 4 stars; one submission).

Allele frequency attached by ClinVar (database versions not stated): TOPMed below 0.00001; gnomAD exomes 0.00001.
gnomAD v4.1: 4 of 1,613,700 alleles (0.00025%); highest among the groups gnomAD compares: Non-Finnish European, 0.00034%; no homozygotes.

Submission:

Labcorp Genetics (formerly Invitae), Labcorp
Classification: Uncertain significance. Last evaluated: 2024-02-14. Review status: criteria provided, single submitter. Criteria: Invitae Variant Classification Sherloc (09022015). Collection method: clinical testing. Allele origin: germline.
Comment: This sequence change affects codon 258 of the RAD51 mRNA. It is a 'silent' change, meaning that it does not change the encoded amino acid sequence of the RAD51 protein. This variant also falls at the last nucleotide of exon 8, which is part of the consensus splice site for this exon. This variant is not present in population databases (gnomAD no frequency). This variant has not been reported in the literature in individuals affected with RAD51-related conditions. Variants that disrupt the consensus splice site are a relatively common cause of aberrant splicing (PMID: 17576681, 9536098). Algorithms developed to predict the effect of sequence changes on RNA splicing suggest that this variant may disrupt the consensus splice site. In summary, the available evidence is currently insufficient to determine the role of this variant in disease. Therefore, it has been classified as a Variant of Uncertain Significance.

Literature cited by the submitters: PubMed 17576681; PubMed 9536098.

NM_002875.5(RAD51):c.774G>A (p.Glu258=)

Gene: RAD51 (RAD51 recombinase; plus strand). Cytogenetic location: 15q15.1.
Variant type: single nucleotide variant.
Coding change: c.774G>A on transcript NM_002875.5 (MANE Select); coding-DNA position 774, G replaced by A.
Protein change: p.Glu258=; no amino-acid change (glutamic acid 258 retained).
Molecular consequence: synonymous variant.
Genome position (GRCh38, 1-based): chr15:40,729,634, G>A. VCF-style: chr15-40729634-G-A. GRCh37 (hg19) VCF-style: chr15-41021832-G-A.
Other names: c.777G>A, p.Glu259= (NM_001164269.2, NM_133487.4); c.774G>A, p.Glu258= (NM_001164270.2).
Identifiers: ClinVar variation 2877503 (VCV002877503.3), dbSNP rs1567055743, ClinGen allele CA489773341.
Genomic context (GRCh38, chr15:40,729,634, plus strand): 5'-TTCAGCCAGGCAGATGCACTTGGCCAGGTTTCTGCGGATGCTTCTGCGACTCGCTGATGA[G>A]GTAAGTTGTGGGATAGGGACAGAGAATGCCTACTTTCAGTGGCTGTGAATTCCAGGAGCC-3'
Protein context (NP_002866.2, residues 248-268): FLRMLLRLAD[Glu258=]FGVAVVITNQ